The following is an entry in ClinVar:

NC_000008.11:g.(?_31058438)_(31059275_?)del

Gene: WRN (WRN RecQ like helicase; plus strand). Cytogenetic location: 8p12.
Variant type: Deletion.
Identifiers: ClinVar variation 830432 (VCV000830432.1).

ClinVar aggregate classification (germline): Pathogenic (1 of 4 stars; one submission).

Conditions:
Werner syndrome (WRN). Identifiers: Orphanet 902, MedGen C0043119, MONDO:0010196, OMIM 277700.

Submission:

Labcorp Genetics (formerly Invitae), Labcorp
Classification: Pathogenic for Werner syndrome. Last evaluated: 2019-05-24. Review status: criteria provided, single submitter. Criteria: Invitae Variant Classification Sherloc (09022015). Collection method: clinical testing. Allele origin: germline.
Comment: This variant is a gross deletion of the genomic region encompassing exons 2-3 of the WRN gene, which includes the initiator codon. The 5' end of this event is unknown as it extends beyond the assayed region for this gene and therefore may encompass additional genes. The 3' boundary is likely confined to intron 3 of the WRN gene. This is expected to result in an absent or disrupted protein product. This variant has not been reported in the literature in individuals with WRN-related conditions. Loss-of-function variants in WRN are known to be pathogenic (PMID: 16673358). For these reasons, this variant has been classified as Pathogenic.